The following is an entry in ClinVar:

NM_001042492.3(NF1):c.1633G>T (p.Ala545Ser)

Gene: NF1 (neurofibromin 1; plus strand). Cytogenetic location: 17q11.2.
Variant type: single nucleotide variant.
Coding change: c.1633G>T on transcript NM_001042492.3 (MANE Select); coding-DNA position 1633, G replaced by T.
Protein change: p.Ala545Ser; replaces alanine 545 with serine.
Molecular consequence: missense variant.
Genome position (GRCh38, 1-based): chr17:31,219,110, G>T. VCF-style: chr17-31219110-G-T. GRCh37 (hg19) VCF-style: chr17-29546128-G-T.
Other names: c.1633G>T, p.Ala545Ser (NM_000267.4, NM_001128147.3); short protein forms A545S.
Identifiers: ClinVar variation 1720929 (VCV001720929.10), dbSNP rs1567843945, ClinGen allele CA399002142.

ClinVar aggregate classification (germline): Uncertain significance. Review status: criteria provided, multiple submitters, no conflicts (2 of 4 stars). 3 submissions from 3 submitters: Uncertain significance (3). Last evaluated 2024-08-26.

Conditions:
Neurofibromatosis, type 1 (NF1). Also called: Neurofibromatosis, type I; VON RECKLINGHAUSEN DISEASE; NEUROFIBROMATOSIS, TYPE I, SOMATIC; Peripheral type neurofibromatosis. Identifiers: Orphanet 636, MedGen C0027831, MONDO:0018975, OMIM 162200. Disease mechanism: loss of function.
Cardiovascular phenotype. Identifiers: MedGen CN230736.
Hereditary cancer-predisposing syndrome. Also called: Hereditary Cancer Syndrome; Hereditary neoplastic syndrome; Neoplastic Syndromes, Hereditary; Tumor predisposition. Identifiers: Orphanet 140162, MedGen C0027672, MeSH D009386, MONDO:0015356.
Juvenile myelomonocytic leukemia (JMML). Also called: LEUKEMIA, JUVENILE MYELOMONOCYTIC, SOMATIC. Identifiers: Orphanet 86834, MedGen C0349639, MONDO:0011908, OMIM 607785, HP:0012209.

Submissions (3):

Ambry Genetics
Classification: Uncertain significance for Cardiovascular phenotype; Hereditary cancer-predisposing syndrome. Last evaluated: 2024-08-26. Review status: criteria provided, single submitter. Criteria: Ambry Variant Classification Scheme 2023. Collection method: clinical testing. Allele origin: germline.
Comment: The p.A545S variant (also known as c.1633G>T), located in coding exon 14 of the NF1 gene, results from a G to T substitution at nucleotide position 1633. The alanine at codon 545 is replaced by serine, an amino acid with similar properties. This amino acid position is highly conserved in available vertebrate species. In addition, the in silico prediction for this alteration is inconclusive. Based on the available evidence, the clinical significance of this variant remains unclear.

Baylor Genetics
Classification: Uncertain significance for Juvenile myelomonocytic leukemia. Last evaluated: 2023-06-16. Review status: criteria provided, single submitter. Criteria: ACMG Guidelines, 2015. Collection method: clinical testing. Allele origin: unknown.

Labcorp Genetics (formerly Invitae), Labcorp
Classification: Uncertain significance for Neurofibromatosis, type 1. Last evaluated: 2022-10-24. Review status: criteria provided, single submitter. Criteria: Invitae Variant Classification Sherloc (09022015). Collection method: clinical testing. Allele origin: germline.
Comment: In summary, the available evidence is currently insufficient to determine the role of this variant in disease. Therefore, it has been classified as a Variant of Uncertain Significance. Advanced modeling of protein sequence and biophysical properties (such as structural, functional, and spatial information, amino acid conservation, physicochemical variation, residue mobility, and thermodynamic stability) performed at Invitae indicates that this missense variant is expected to disrupt NF1 protein function. This variant has not been reported in the literature in individuals affected with NF1-related conditions. This variant is not present in population databases (gnomAD no frequency). This sequence change replaces alanine, which is neutral and non-polar, with serine, which is neutral and polar, at codon 545 of the NF1 protein (p.Ala545Ser).